The following is an entry in ClinVar:

ClinVar aggregate classification (germline): Likely benign. Review status: criteria provided, multiple submitters, no conflicts (2 of 4 stars). 3 submissions from 3 submitters: Likely benign (2). 1 of the submissions does not count toward it. Last evaluated 2025-11-17.

Conditions:
REPS1-related disorder. Also called: REPS1-related condition.

Allele frequency attached by ClinVar (database versions not stated): ESP Exome Variant Server 0.00008; ExAC 0.00010; gnomAD exomes 0.00010 and 0.00014; gnomAD 0.00012; TOPMed 0.00012.
gnomAD v4.1: 214 of 1,613,388 alleles (0.013%); highest among the groups gnomAD compares: Non-Finnish European, 0.017%; no homozygotes.

Submissions (3):

Labcorp Genetics (formerly Invitae), Labcorp
Classification: Likely benign. Last evaluated: 2025-11-17. Review status: criteria provided, single submitter. Criteria: Invitae Variant Classification Sherloc (09022015). Collection method: clinical testing. Allele origin: germline.

CeGaT Center for Human Genetics Tuebingen
Classification: Likely benign. Last evaluated: 2022-08-01. Review status: criteria provided, single submitter. Criteria: CeGaT Center For Human Genetics Tuebingen Variant Classification Criteria Version 2. Collection method: clinical testing. Allele origin: germline. Affected: yes. Observed: 1 variant allele.
Comment: REPS1: BP4, BP7

PreventionGenetics, part of Exact Sciences
Classification: Likely benign for REPS1-related condition. Last evaluated: 2019-02-21. Review status: no assertion criteria provided. Collection method: clinical testing. Allele origin: germline. Not counted in ClinVar's aggregate classification.
Comment: This variant is classified as likely benign based on ACMG/AMP sequence variant interpretation guidelines (Richards et al. 2015 PMID: 25741868, with internal and published modifications).

NM_001286611.2(REPS1):c.1620G>A (p.Ser540=)

Gene: REPS1 (RALBP1 associated Eps domain containing 1; minus strand). Cytogenetic location: 6q24.1.
Variant type: single nucleotide variant.
Coding change: c.1620G>A on transcript NM_001286611.2 (MANE Select); coding-DNA position 1620, G replaced by A.
Protein change: p.Ser540=; no amino-acid change (serine 540 retained).
Molecular consequence: synonymous variant. On other transcripts: intron variant (1).
Genome position (GRCh38, 1-based): chr6:138,915,958, C>T on the plus strand (G>A on the coding strand, the complement: REPS1 is on the minus strand). VCF-style: chr6-138915958-C-T. GRCh37 (hg19) VCF-style: chr6-139237095-C-T.
Other names: c.1620G>A (NM_001286611.1); c.1539G>A, p.Ser513= (NM_001128617.3); c.1617G>A, p.Ser539= (NM_031922.5); c.1448-1197G>A (NM_001286612.2).
Identifiers: ClinVar variation 1634487 (VCV001634487.33), dbSNP rs368209892, ClinGen allele CA4024096.